The following is an entry in ClinVar:

NM_020964.3(EPG5):c.310_311dup (p.Glu105fs)

Gene: EPG5 (ectopic P-granules 5 autophagy tethering factor; minus strand). Cytogenetic location: 18q21.1.
Variant type: Duplication.
Coding change: c.310_311dup on transcript NM_020964.3 (MANE Select); coding-DNA positions 310 to 311, 2 bases duplicated (AA; older notation c.310_311dupAA).
Protein change: p.Glu105fs; shifts the reading frame from glutamic acid 105.
Molecular consequence: frameshift variant.
Genome position (GRCh38, 1-based): chr18:45,955,091-45,955,092, TT duplicated on the plus strand (AA on the coding strand, the reverse complement: EPG5 is on the minus strand); duplicating any 2 consecutive bases within chr18:45,955,091-45,955,093 gives the same sequence; the c. name uses the placement nearest the transcript's 3' end. VCF-style (leftmost placement, unchanged base first): chr18-45955090-C-CTT. GRCh37 (hg19) VCF-style: chr18-43535056-C-CTT.
Other names: c.310_311dup, p.Glu105fs (LRG_1234t1); short protein forms E105fs.
Identifiers: ClinVar variation 664487 (VCV000664487.7), dbSNP rs1483969601, ClinGen allele CA779765908.

ClinVar aggregate classification (germline): Pathogenic (1 of 4 stars; one submission).

Conditions:
Vici syndrome (VICIS). Identifiers: Orphanet 1493, MedGen C1855772, MONDO:0009452, OMIM 242840.

Submission:

Labcorp Genetics (formerly Invitae), Labcorp
Classification: Pathogenic for Vici syndrome. Last evaluated: 2023-06-02. Review status: criteria provided, single submitter. Criteria: Invitae Variant Classification Sherloc (09022015). Collection method: clinical testing. Allele origin: germline.
Comment: This sequence change creates a premature translational stop signal (p.Glu105Argfs*29) in the EPG5 gene. It is expected to result in an absent or disrupted protein product. Loss-of-function variants in EPG5 are known to be pathogenic (PMID: 23222957, 23674064). This variant is not present in population databases (gnomAD no frequency). For these reasons, this variant has been classified as Pathogenic. ClinVar contains an entry for this variant (Variation ID: 664487). This variant has not been reported in the literature in individuals affected with EPG5-related conditions.

Literature cited by the submitters: PubMed 23222957; PubMed 23674064.